The following is an entry in ClinVar:

NM_201253.3(CRB1):c.2387T>C (p.Ile796Thr)

Gene: CRB1 (crumbs cell polarity complex component 1; plus strand). Cytogenetic location: 1q31.3.
Variant type: single nucleotide variant.
Coding change: c.2387T>C on transcript NM_201253.3 (MANE Select); coding-DNA position 2387, T replaced by C.
Protein change: p.Ile796Thr; replaces isoleucine 796 with threonine.
Molecular consequence: missense variant. On other transcripts: non-coding transcript variant (2), intron variant (1).
Genome position (GRCh38, 1-based): chr1:197,427,712, T>C. VCF-style: chr1-197427712-T-C. GRCh37 (hg19) VCF-style: chr1-197396842-T-C.
Other names: c.2051T>C, p.Ile684Thr (NM_001193640.2); c.2180T>C, p.Ile727Thr (NM_001257965.2); c.2128+5756T>C (NM_001257966.2); short protein forms I684T, I796T, I727T.
Identifiers: ClinVar variation 2016329 (VCV002016329.4), dbSNP rs2528150321, ClinGen allele CA344037105.

ClinVar aggregate classification (germline): Uncertain significance (1 of 4 stars; one submission).

Conditions:
Retinitis pigmentosa 12 (RP12). Also called: RP WITH OR WITHOUT PRESERVED PARAARTERIOLE RETINAL PIGMENT EPITHELIUM; RETINITIS PIGMENTOSA WITH OR WITHOUT PARAARTERIOLAR PRESERVATION OF RETINAL PIGMENT EPITHELIUM; RP WITH OR WITHOUT PPRPE. Identifiers: Orphanet 791, MedGen C1838647, MONDO:0010818, OMIM 600105.
Leber congenital amaurosis 8 (LCA8). Identifiers: Orphanet 65, MedGen C3151202, MONDO:0013453, OMIM 613835.

Submission:

Labcorp Genetics (formerly Invitae), Labcorp
Classification: Uncertain significance for Leber congenital amaurosis 8; Retinitis pigmentosa 12. Last evaluated: 2022-07-12. Review status: criteria provided, single submitter. Criteria: Invitae Variant Classification Sherloc (09022015). Collection method: clinical testing. Allele origin: germline.
Comment: Advanced modeling of protein sequence and biophysical properties (such as structural, functional, and spatial information, amino acid conservation, physicochemical variation, residue mobility, and thermodynamic stability) performed at Invitae indicates that this missense variant is expected to disrupt CRB1 protein function. In summary, the available evidence is currently insufficient to determine the role of this variant in disease. Therefore, it has been classified as a Variant of Uncertain Significance. This variant has not been reported in the literature in individuals affected with CRB1-related conditions. This variant is not present in population databases (gnomAD no frequency). This sequence change replaces isoleucine, which is neutral and non-polar, with threonine, which is neutral and polar, at codon 796 of the CRB1 protein (p.Ile796Thr).